The following is an entry in ClinVar:

ClinVar aggregate classification (germline): Uncertain significance (1 of 4 stars; one submission).

Allele frequency attached by ClinVar (database versions not stated): gnomAD exomes below 0.00001.
gnomAD v4.1: 1 of 1,614,108 alleles (0.000062%); highest among the groups gnomAD compares: Non-Finnish European, 0.000085%; no homozygotes.

Submission:

Labcorp Genetics (formerly Invitae), Labcorp
Classification: Uncertain significance. Last evaluated: 2022-07-25. Review status: criteria provided, single submitter. Criteria: Invitae Variant Classification Sherloc (09022015). Collection method: clinical testing. Allele origin: germline.
Comment: This variant is present in population databases (no rsID available, gnomAD 0.0009%). This sequence change replaces leucine, which is neutral and non-polar, with valine, which is neutral and non-polar, at codon 751 of the GRM6 protein (p.Leu751Val). This variant has not been reported in the literature in individuals affected with GRM6-related conditions. Advanced modeling of protein sequence and biophysical properties (such as structural, functional, and spatial information, amino acid conservation, physicochemical variation, residue mobility, and thermodynamic stability) performed at Invitae indicates that this missense variant is not expected to disrupt GRM6 protein function. In summary, the available evidence is currently insufficient to determine the role of this variant in disease. Therefore, it has been classified as a Variant of Uncertain Significance.

NM_000843.4(GRM6):c.2251C>G (p.Leu751Val)

Genes: GRM6 (glutamate metabotropic receptor 6; minus strand), ZNF454 (zinc finger protein 454; plus strand). Cytogenetic location: 5q35.3.
Variant type: single nucleotide variant.
Coding change: c.2251C>G on transcript NM_000843.4 (MANE Select); coding-DNA position 2251, C replaced by G.
Protein change: p.Leu751Val; replaces leucine 751 with valine.
Molecular consequence: missense variant.
Genome position (GRCh38, 1-based): chr5:178,983,095, G>C on the plus strand (C>G on the coding strand, the complement: GRM6 is on the minus strand). VCF-style: chr5-178983095-G-C. GRCh37 (hg19) VCF-style: chr5-178410096-G-C.
Other names: short protein forms L751V.
Identifiers: ClinVar variation 1938609 (VCV001938609.5), dbSNP rs1295391660, ClinGen allele CA362424608.